The following is an entry in ClinVar:

ClinVar aggregate classification (germline): Uncertain significance (1 of 4 stars; one submission).

Conditions:
Hereditary cancer-predisposing syndrome. Also called: Hereditary neoplastic syndrome; Neoplastic Syndromes, Hereditary; Tumor predisposition; Hereditary Cancer Syndrome. Identifiers: Orphanet 140162, MedGen C0027672, MeSH D009386, MONDO:0015356.

Submission:

Ambry Genetics
Classification: Uncertain significance for Hereditary cancer-predisposing syndrome. Last evaluated: 2025-03-04. Review status: criteria provided, single submitter. Criteria: Ambry Variant Classification Scheme 2023. Collection method: clinical testing. Allele origin: germline.
Comment: The p.S599N variant (also known as c.1796G>A), located in coding exon 12 of the CTNNA1 gene, results from a G to A substitution at nucleotide position 1796. The serine at codon 599 is replaced by asparagine, an amino acid with highly similar properties. This amino acid position is conserved. In addition, this alteration is predicted to be tolerated by in silico analysis. Based on the available evidence, the clinical significance of this variant remains unclear.

NM_001903.5(CTNNA1):c.1796G>A (p.Ser599Asn)

Gene: CTNNA1 (catenin alpha 1; plus strand). Cytogenetic location: 5q31.2.
Variant type: single nucleotide variant.
Coding change: c.1796G>A on transcript NM_001903.5 (MANE Select); coding-DNA position 1796, G replaced by A.
Protein change: p.Ser599Asn; replaces serine 599 with asparagine.
Molecular consequence: missense variant.
Genome position (GRCh38, 1-based): chr5:138,925,304, G>A. VCF-style: chr5-138925304-G-A. GRCh37 (hg19) VCF-style: chr5-138260993-G-A.
Other names: c.1796G>A, p.Ser599Asn (NM_001290307.3, NM_001323982.2, NM_001323983.1 and 2 more transcripts); c.1487G>A, p.Ser496Asn (NM_001290309.3); c.1427G>A, p.Ser476Asn (NM_001290310.3); c.686G>A, p.Ser229Asn (NM_001290312.1, NM_001323987.1, NM_001323988.1 and 17 more transcripts); c.1703G>A, p.Ser568Asn (NM_001323986.2); c.347G>A, p.Ser116Asn (NM_001324006.1, NM_001324007.1, NM_001324008.1 and 2 more transcripts); c.593G>A, p.Ser198Asn (NM_001324011.1); c.443G>A, p.Ser148Asn (NM_001324012.1, NM_001324013.1); short protein forms S116N, S496N, S229N, S568N, S599N, S148N, S198N, S476N.
Identifiers: ClinVar variation 3837189 (VCV003837189.1).
Genomic context (GRCh38, chr5:138,925,304, plus strand): 5'-CTTTCTCCACAGTCATGCCACGTTTTACTGAGCAAGTAGAAGCAGCCGTGGAAGCCCTCA[G>A]CTCGGACCCTGCCCAGCCCATGGATGAGAATGAGTTTATCGATGCTTCCCGCCTGGTATA-3'
Protein context (NP_001894.2, residues 589-609): EQVEAAVEAL[Ser599Asn]SDPAQPMDEN